The following is an entry in ClinVar:

ClinVar aggregate classification (germline): Likely benign. Review status: criteria provided, multiple submitters, no conflicts (2 of 4 stars). 2 submissions from 2 submitters: Likely benign (2). Last evaluated 2025-03-04.

Conditions:
Long QT syndrome (LQTS). Identifiers: MedGen C0023976, MeSH D008133, MONDO:0002442. Disease mechanism: loss of function. Inheritance: Various modes of inheritance.

Allele frequency attached by ClinVar (database versions not stated): gnomAD 0.00001; gnomAD exomes 0.00001; TOPMed 0.00001; ExAC 0.00002.
gnomAD v4.1: 17 of 1,595,934 alleles (0.0011%); highest among the groups gnomAD compares: Non-Finnish European, 0.0015%; no homozygotes.

Submissions (2):

Labcorp Genetics (formerly Invitae), Labcorp
Classification: Likely benign for Long QT syndrome. Last evaluated: 2025-03-04. Review status: criteria provided, single submitter. Criteria: Invitae Variant Classification Sherloc (09022015). Collection method: clinical testing. Allele origin: germline.

GeneDx
Classification: Likely benign. Last evaluated: 2016-03-21. Review status: criteria provided, single submitter. Criteria: GeneDx Variant Classification (06012015). Collection method: clinical testing. Allele origin: germline. Affected: yes.
Comment: This variant is considered likely benign or benign based on one or more of the following criteria: it is a conservative change, it occurs at a poorly conserved position in the protein, it is predicted to be benign by multiple in silico algorithms, and/or has population frequency not consistent with disease.

NM_000719.7(CACNA1C):c.3157-16G>C

Gene: CACNA1C (calcium voltage-gated channel subunit alpha1 C; plus strand). Cytogenetic location: 12p13.33.
Variant type: single nucleotide variant.
Coding change: c.3157-16G>C on transcript NM_000719.7 (MANE Select); 16 bases into the intron before coding-DNA position 3157, G replaced by C.
Molecular consequence: intron variant.
Genome position (GRCh38, 1-based): chr12:2,606,595, G>C. VCF-style: chr12-2606595-G-C. GRCh37 (hg19) VCF-style: chr12-2715761-G-C.
Other names: c.3157-16G>C (NM_001167624.3, NM_001167623.2, NM_001167625.2 and 15 more transcripts); c.3217-16G>C (NM_199460.4, NM_001129827.2, NM_001129832.2); c.3148-16G>C (NM_001129844.2).
Identifiers: ClinVar variation 384965 (VCV000384965.9), dbSNP rs770629047, ClinGen allele CA6389176.